The following is an entry in ClinVar:

NM_006231.4(POLE):c.5829_5830del (p.Gly1945fs)

Gene: POLE (DNA polymerase epsilon, catalytic subunit; minus strand). Cytogenetic location: 12q24.33.
Variant type: Deletion.
Coding change: c.5829_5830del on transcript NM_006231.4 (MANE Select); coding-DNA positions 5829 to 5830, 2 bases deleted (AG; older notation c.5829_5830delAG).
Protein change: p.Gly1945fs; shifts the reading frame from glycine 1945.
Molecular consequence: frameshift variant.
Genome position (GRCh38, 1-based): chr12:132,634,360-132,634,361, CT deleted on the plus strand (AG on the coding strand, the reverse complement: POLE is on the minus strand). VCF-style (leftmost placement, unchanged base first): chr12-132634359-CCT-C. GRCh37 (hg19) VCF-style: chr12-133210945-CCT-C.
Other names: c.5829_5830delAG (NM_006231.2); c.5829_5830del (NM_006231.2); short protein forms G1945fs.
Identifiers: ClinVar variation 240576 (VCV000240576.17), dbSNP rs878854885, ClinGen allele CA10582974.
Genomic context (GRCh38, chr12:132,634,359, plus strand): 5'-TCCTCCTCCCCATCTCTTTCCTCCTCATCGTCCTCATTTTCCTGCTCATCCTCTGCTCCC[CCT>C]GCTTTCTGGGAGTCTTGCTGTAACACATGAGACAACGCGGCTGTGTTTGCACCATCGCGG-3'

ClinVar aggregate classification (germline): Conflicting classifications of pathogenicity. Review status: criteria provided, conflicting classifications (1 of 4 stars). 4 submissions from 4 submitters: Pathogenic (1); Likely pathogenic (1); Uncertain significance (2). Last evaluated 2025-12-22.

Conditions:
Colorectal cancer, susceptibility to, 12 (CRCS12). Also called: COLORECTAL CANCER, SUSCEPTIBILITY TO, ON CHROMOSOME 12q24. Identifiers: Orphanet 220460, MedGen C3554460, MONDO:0014038, OMIM 615083.
Hereditary cancer-predisposing syndrome. Also called: Tumor predisposition; Neoplastic Syndromes, Hereditary; Hereditary Cancer Syndrome; Hereditary neoplastic syndrome. Identifiers: Orphanet 140162, MedGen C0027672, MeSH D009386, MONDO:0015356.

Allele frequency attached by ClinVar (database versions not stated): gnomAD exomes below 0.00001; TOPMed 0.00001.

Submissions (4):

Labcorp Genetics (formerly Invitae), Labcorp
Classification: Pathogenic. Last evaluated: 2025-12-22. Review status: criteria provided, single submitter. Criteria: Invitae Variant Classification Sherloc (09022015). Collection method: clinical testing. Allele origin: germline.
Comment: This sequence change creates a premature translational stop signal (p.Gly1945Serfs*4) in the POLE gene. It is expected to result in an absent or disrupted protein product. Loss-of-function variants in POLE are known to be pathogenic (PMID: 23230001, 25948378, 30503519). This variant is not present in population databases (gnomAD no frequency). This variant has not been reported in the literature in individuals affected with POLE-related conditions. ClinVar contains an entry for this variant (Variation ID: 240576). For these reasons, this variant has been classified as Pathogenic.

Ambry Genetics
Classification: Uncertain significance for Hereditary cancer-predisposing syndrome. Last evaluated: 2025-07-24. Review status: criteria provided, single submitter. Criteria: Ambry Variant Classification Scheme 2023. Collection method: clinical testing. Allele origin: germline.
Comment: The c.5829_5830delAG variant, located in coding exon 43 of the POLE gene, results from a deletion of two nucleotides at nucleotide positions 5829 to 5830, causing a translational frameshift with a predicted alternate stop codon (p.G1945Sfs*4). This alteration is expected to result in loss of function by premature protein truncation or nonsense-mediated mRNA decay. Although biallelic loss of function of POLE has been associated with autosomal recessive POLE deficiency, haploinsufficiency of POLE has not been established as a mechanism of disease for POLE-related polymerase proofreading-associated polyposis (PPAP) and POLE-related CMMRD-like syndrome. Based on the supporting evidence, this variant is expected to be causative of POLE deficiency when present along with a second pathogenic variant on the other allele; however, its clinical significance for PPAP and POLE-related CMMRD-like syndrome is unclear.

GeneDx
Classification: Likely pathogenic. Last evaluated: 2023-11-22. Review status: criteria provided, single submitter. Criteria: GeneDx Variant Classification Process June 2021. Collection method: clinical testing. Allele origin: germline. Affected: yes.
Comment: Frameshift variant predicted to result in protein truncation and nonsense mediated decay in a gene for which loss of function is a known mechanism of disease; Not observed at significant frequency in large population cohorts (gnomAD); Observed in a pediatric patient with congenital heart disease (PMID: 33084842); This variant is associated with the following publications: (PMID: 33084842)

Institute for Genomic Medicine (IGM) Clinical Laboratory, Nationwide Children's Hospital
Classification: Uncertain significance for Colorectal cancer, susceptibility to, 12. Last evaluated: 2022-10-14. Review status: criteria provided, single submitter. Criteria: ACMG Guidelines, 2015. Collection method: clinical testing. Allele origin: germline.
Comment: This variant is predicted to result in loss of function through nonsense-mediated decay of the encoded transcript or premature truncation of the encoded protein in a gene in which loss of function is a known mechanism of disease (ACMG/AMP: PVS1_Supporting; PMID:33001133). This variant is absent from or present at an exceedingly low frequency in gnomAD, a large-scale control population database (ACMG/AMP: PM2).

Literature cited by the submitters: PubMed 23230001 (cited by Labcorp Genetics (formerly Invitae), Labcorp); PubMed 25948378 (cited by Labcorp Genetics (formerly Invitae), Labcorp); PubMed 30503519 (cited by Labcorp Genetics (formerly Invitae), Labcorp); PubMed 33001133 (cited by Institute for Genomic Medicine (IGM) Clinical Laboratory, Nationwide Children's Hospital).